The following is an entry in ClinVar:

NM_004629.2(FANCG):c.934G>A (p.Val312Ile)

Gene: FANCG (FA complementation group G; minus strand). Cytogenetic location: 9p13.3.
Variant type: single nucleotide variant.
Coding change: c.934G>A on transcript NM_004629.2 (MANE Select); coding-DNA position 934, G replaced by A.
Protein change: p.Val312Ile; replaces valine 312 with isoleucine.
Molecular consequence: missense variant.
Genome position (GRCh38, 1-based): chr9:35,076,574, C>T on the plus strand (G>A on the coding strand, the complement: FANCG is on the minus strand). VCF-style: chr9-35076574-C-T. GRCh37 (hg19) VCF-style: chr9-35076571-C-T.
Other names: short protein forms V312I.
Identifiers: ClinVar variation 1475951 (VCV001475951.7), dbSNP rs530535955, ClinGen allele CA5039885.

ClinVar aggregate classification (germline): Uncertain significance. Review status: criteria provided, multiple submitters, no conflicts (2 of 4 stars). 2 submissions from 2 submitters: Uncertain significance (2). Last evaluated 2025-11-22.

Conditions:
Fanconi anemia complementation group G. Also called: Fanconi anemia group G; FANCG-Related Fanconi Anemia. Identifiers: Orphanet 84, MedGen C3469527, MONDO:0013565, OMIM 614082.
Fanconi anemia (FA). Also called: Fanconi's anemia. Identifiers: Orphanet 84, MedGen C0015625, MeSH D005199, MONDO:0019391.

Allele frequency attached by ClinVar (database versions not stated): gnomAD exomes 0.00001 and 0.00002; TOPMed 0.00002; ExAC 0.00003; gnomAD 0.00003; 1000 Genomes Project 30x 0.00016; 1000 Genomes Project 0.00020.

Submissions (2):

Labcorp Genetics (formerly Invitae), Labcorp
Classification: Uncertain significance for Fanconi anemia. Last evaluated: 2025-11-22. Review status: criteria provided, single submitter. Criteria: Invitae Variant Classification Sherloc (09022015). Collection method: clinical testing. Allele origin: germline.
Comment: This sequence change replaces valine, which is neutral and non-polar, with isoleucine, which is neutral and non-polar, at codon 312 of the FANCG protein (p.Val312Ile). This variant is present in population databases (rs530535955, gnomAD 0.008%). This variant has not been reported in the literature in individuals affected with FANCG-related conditions. ClinVar contains an entry for this variant (Variation ID: 1475951). Invitae Evidence Modeling of protein sequence and biophysical properties (such as structural, functional, and spatial information, amino acid conservation, physicochemical variation, residue mobility, and thermodynamic stability) indicates that this missense variant is not expected to disrupt FANCG protein function with a negative predictive value of 80%. In summary, the available evidence is currently insufficient to determine the role of this variant in disease. Therefore, it has been classified as a Variant of Uncertain Significance.

Fulgent Genetics
Classification: Uncertain significance for Fanconi anemia complementation group G. Last evaluated: 2022-03-26. Review status: criteria provided, single submitter. Criteria: ACMG Guidelines, 2015. Collection method: clinical testing. Allele origin: unknown.